The following is an entry in ClinVar:

ClinVar aggregate classification (germline): Uncertain significance. Review status: criteria provided, multiple submitters, no conflicts (2 of 4 stars). 3 submissions from 3 submitters: Uncertain significance (3). Last evaluated 2025-03-13.

Conditions:
Early-infantile DEE. Also called: Ohtahara syndrome; Early infantile epileptic encephalopathy; Early infantile epileptic encephalopathy with suppression bursts. Identifiers: Orphanet 1934, MedGen C0393706, MONDO:0800491.
Inborn genetic diseases. Identifiers: MedGen C0950123, MeSH D030342.

gnomAD v4.1: 6 of 1,614,110 alleles (0.00037%); highest among the groups gnomAD compares: East Asian, 0.0045%; no homozygotes.

Submissions (3):

Ambry Genetics
Classification: Uncertain significance for Inborn genetic diseases. Last evaluated: 2025-03-13. Review status: criteria provided, single submitter. Criteria: Ambry Variant Classification Scheme 2023. Collection method: clinical testing. Allele origin: germline.

Labcorp Genetics (formerly Invitae), Labcorp
Classification: Uncertain significance for Early-infantile DEE. Last evaluated: 2024-12-22. Review status: criteria provided, single submitter. Criteria: Invitae Variant Classification Sherloc (09022015). Collection method: clinical testing. Allele origin: germline.
Comment: This sequence change replaces alanine, which is neutral and non-polar, with glutamic acid, which is acidic and polar, at codon 23 of the SCN1A protein (p.Ala23Glu). This variant is present in population databases (rs139397227, gnomAD 0.006%). This variant has not been reported in the literature in individuals affected with SCN1A-related conditions. ClinVar contains an entry for this variant (Variation ID: 206800). Invitae Evidence Modeling of protein sequence and biophysical properties (such as structural, functional, and spatial information, amino acid conservation, physicochemical variation, residue mobility, and thermodynamic stability) indicates that this missense variant is expected to disrupt SCN1A protein function with a positive predictive value of 95%. In summary, the available evidence is currently insufficient to determine the role of this variant in disease. Therefore, it has been classified as a Variant of Uncertain Significance.

GeneDx
Classification: Uncertain significance. Last evaluated: 2022-03-25. Review status: criteria provided, single submitter. Criteria: GeneDx Variant Classification Process June 2021. Collection method: clinical testing. Allele origin: germline. Affected: yes.
Comment: Reported previously as a variant of uncertain significance, inherited from an unaffected father, in a patient with hypotonia, global developmental delay, epilepsy, and biochemically confirmed PIGN-related disorder; however, this SCN1A variant co-occurred with compound heterozygous variants in the PIGN gene that were thought to be responsible for the phenotype (Thiffault et al., 2017); Not observed at significant frequency in large population cohorts (gnomAD); Missense variants in this gene are often considered pathogenic (HGMD); In silico analysis supports that this missense variant has a deleterious effect on protein structure/function; This substitution is predicted to be within the N-terminal cytoplasmic domain; This variant is associated with the following publications: (PMID: 29096607)

Literature cited by the submitters: PubMed 29096607 (cited by Ambry Genetics); PubMed 31440721 (cited by Ambry Genetics).

NM_001165963.4(SCN1A):c.68C>A (p.Ala23Glu)

Gene: SCN1A (sodium voltage-gated channel alpha subunit 1; minus strand). Cytogenetic location: 2q24.3.
Variant type: single nucleotide variant.
Coding change: c.68C>A on transcript NM_001165963.4 (MANE Select); coding-DNA position 68, C replaced by A.
Protein change: p.Ala23Glu; replaces alanine 23 with glutamic acid.
Molecular consequence: missense variant. On other transcripts: 5 prime UTR variant (1), non-coding transcript variant (1).
Genome position (GRCh38, 1-based): chr2:166,073,554, G>T on the plus strand (C>A on the coding strand, the complement: SCN1A is on the minus strand). VCF-style: chr2-166073554-G-T. GRCh37 (hg19) VCF-style: chr2-166930064-G-T.
Other names: p.A23E:GCG>GAG; c.68C>A, p.Ala23Glu (NM_001165964.3, NM_001202435.3, NM_001353948.2 and 10 more transcripts); c.-2358C>A (NM_001353961.2); short protein forms A23E.
Identifiers: ClinVar variation 206800 (VCV000206800.14), dbSNP rs139397227, ClinGen allele CA317363.